The following is an entry in ClinVar:

NM_000038.6(APC):c.7641G>C (p.Trp2547Cys)

Gene: APC (APC regulator of Wnt signaling pathway; plus strand). Cytogenetic location: 5q22.2.
Variant type: single nucleotide variant.
Coding change: c.7641G>C on transcript NM_000038.6 (MANE Select); coding-DNA position 7641, G replaced by C.
Protein change: p.Trp2547Cys; replaces tryptophan 2547 with cysteine.
Molecular consequence: missense variant.
Genome position (GRCh38, 1-based): chr5:112,843,235, G>C. VCF-style: chr5-112843235-G-C. GRCh37 (hg19) VCF-style: chr5-112178932-G-C.
Other names: c.7641G>C, p.Trp2547Cys (NM_001127510.3, NM_001354895.2, NM_001407450.1); c.7587G>C, p.Trp2529Cys (NM_001127511.3); c.7695G>C, p.Trp2565Cys (NM_001354896.2, NM_001407447.1, NM_001407448.1 and 1 more transcripts); c.7671G>C, p.Trp2557Cys (NM_001354897.2); c.7566G>C, p.Trp2522Cys (NM_001354898.2); c.7557G>C, p.Trp2519Cys (NM_001354899.2); c.7518G>C, p.Trp2506Cys (NM_001354900.2); c.7464G>C, p.Trp2488Cys (NM_001354901.2, NM_001407453.1); and 11 more; short protein forms W2418C, W2464C, W2488C, W2537C, W2547C, W2387C, W2522C, W2529C.
Identifiers: ClinVar variation 1759946 (VCV001759946.2), dbSNP rs2533808889, ClinGen allele CA16037928.

ClinVar aggregate classification (germline): Uncertain significance (1 of 4 stars; one submission).

Conditions:
Hereditary cancer-predisposing syndrome. Also called: Neoplastic Syndromes, Hereditary; Tumor predisposition; Hereditary Cancer Syndrome; Hereditary neoplastic syndrome. Identifiers: Orphanet 140162, MedGen C0027672, MeSH D009386, MONDO:0015356.

Submission:

Ambry Genetics
Classification: Uncertain significance for Hereditary cancer-predisposing syndrome. Last evaluated: 2020-01-07. Review status: criteria provided, single submitter. Criteria: Ambry Variant Classification Scheme 2023. Collection method: clinical testing. Allele origin: germline.
Comment: The p.W2547C variant (also known as c.7641G>C), located in coding exon 15 of the APC gene, results from a G to C substitution at nucleotide position 7641. The tryptophan at codon 2547 is replaced by cysteine, an amino acid with highly dissimilar properties. This amino acid position is highly conserved in available vertebrate species. In addition, in silico predictors for this gene do not accurately predict pathogenicity. Since supporting evidence is limited at this time, the clinical significance of this alteration remains unclear.